The following is an entry in ClinVar:

ClinVar aggregate classification (germline): Likely benign (1 of 4 stars; one submission).

Allele frequency attached by ClinVar (database versions not stated): gnomAD exomes below 0.00001.
gnomAD v4.1: 3 of 1,613,246 alleles (0.00019%); highest among the groups gnomAD compares: East Asian, 0.0022%; no homozygotes.

Submission:

CeGaT Center for Human Genetics Tuebingen
Classification: Likely benign. Last evaluated: 2022-09-01. Review status: criteria provided, single submitter. Criteria: CeGaT Center For Human Genetics Tuebingen Variant Classification Criteria Version 2. Collection method: clinical testing. Allele origin: germline. Affected: yes. Observed: 1 variant allele.
Comment: GAPVD1: BP4, BP7

NM_001282680.3(GAPVD1):c.265T>C (p.Leu89=)

Gene: GAPVD1 (GTPase activating protein and VPS9 domains 1; plus strand). Cytogenetic location: 9q33.3.
Variant type: single nucleotide variant.
Coding change: c.265T>C on transcript NM_001282680.3 (MANE Select); coding-DNA position 265, T replaced by C.
Protein change: p.Leu89=; no amino-acid change (leucine 89 retained).
Molecular consequence: synonymous variant. On other transcripts: non-coding transcript variant (2).
Genome position (GRCh38, 1-based): chr9:125,302,062, T>C. VCF-style: chr9-125302062-T-C. GRCh37 (hg19) VCF-style: chr9-128064341-T-C.
Other names: c.265T>C, p.Leu89= (NM_001282679.2, NM_001282681.3, NM_001330777.3 and 11 more transcripts).
Identifiers: ClinVar variation 1335738 (VCV001335738.35), dbSNP rs1401378608, ClinGen allele CA467210001.